The following is an entry in ClinVar:

NM_020041.3(SLC2A9):c.1215+4A>G

Gene: SLC2A9 (solute carrier family 2 member 9; minus strand). Cytogenetic location: 4p16.1.
Variant type: single nucleotide variant.
Coding change: c.1215+4A>G on transcript NM_020041.3 (MANE Select); 4 bases into the intron after coding-DNA position 1215, A replaced by G.
Molecular consequence: intron variant.
Genome position (GRCh38, 1-based): chr4:9,890,606, T>C on the plus strand (A>G on the coding strand, the complement: SLC2A9 is on the minus strand). VCF-style: chr4-9890606-T-C. GRCh37 (hg19) VCF-style: chr4-9892230-T-C.
Other names: c.1128+4A>G (NM_001001290.2).
Identifiers: ClinVar variation 957465 (VCV000957465.7), dbSNP rs1737202797, ClinGen allele CA1139658438.
Genomic context (GRCh38, chr4:9,890,606, plus strand): 5'-ACGATGAAGCCAGAAGTCAGCTCCATGCTTATCTCCCTCAAATGTGACAAGAACATCGTC[T>C]CACCTGCAGGGTCAGCGTGATGGTGAGGGTCCCAAAGAAGAGGCCCATGAGCCCAAAGCC-3'

ClinVar aggregate classification (germline): Uncertain significance (1 of 4 stars; one submission).

Submission:

Labcorp Genetics (formerly Invitae), Labcorp
Classification: Uncertain significance. Last evaluated: 2019-09-24. Review status: criteria provided, single submitter. Criteria: Invitae Variant Classification Sherloc (09022015). Collection method: clinical testing. Allele origin: germline.
Comment: In summary, the available evidence is currently insufficient to determine the role of this variant in disease. Therefore, it has been classified as a Variant of Uncertain Significance. Nucleotide substitutions within the consensus splice site are a relatively common cause of aberrant splicing (PMID: 17576681, 9536098). Algorithms developed to predict the effect of sequence changes on RNA splicing suggest that this variant may disrupt the consensus splice site, but this prediction has not been confirmed by published transcriptional studies. This variant has not been reported in the literature in individuals with SLC2A9-related conditions. This variant is not present in population databases (ExAC no frequency). This sequence change falls in intron 9 of the SLC2A9 gene. It does not directly change the encoded amino acid sequence of the SLC2A9 protein, but it affects a nucleotide within the consensus splice site of the intron.

Literature cited by the submitters: PubMed 17576681; PubMed 9536098.